The following is an entry in ClinVar:

ClinVar aggregate classification (germline): Uncertain significance. Review status: criteria provided, multiple submitters, no conflicts (2 of 4 stars). 3 submissions from 3 submitters: Uncertain significance (3). Last evaluated 2026-04-20.

Conditions:
Ehlers-Danlos syndrome (EDS). Identifiers: Orphanet 98249, MedGen C0013720, MONDO:0020066.

Allele frequency attached by ClinVar (database versions not stated): gnomAD 0.00001; TOPMed 0.00001; gnomAD exomes 0.00002 and 0.00003; ExAC 0.00004.
gnomAD v4.1: 12 of 1,596,746 alleles (0.00075%); highest among the groups gnomAD compares: East Asian, 0.027%; no homozygotes.

Submissions (3):

Women's Health and Genetics/Laboratory Corporation of America, LabCorp
Classification: Uncertain significance. Last evaluated: 2026-04-20. Review status: criteria provided, single submitter. Criteria: LabCorp Variant Classification Summary - May 2015. Collection method: clinical testing. Allele origin: germline.

Genome Diagnostics Laboratory, The Hospital for Sick Children
Classification: Uncertain significance for Ehlers-Danlos syndrome. Last evaluated: 2019-12-01. Review status: criteria provided, single submitter. Criteria: ACMG Guidelines, 2015. Collection method: clinical testing. Allele origin: germline.

GeneDx
Classification: Uncertain significance. Last evaluated: 2019-06-25. Review status: criteria provided, single submitter. Criteria: GeneDx Variant Classification Process June 2021. Collection method: clinical testing. Allele origin: germline. Affected: yes.
Comment: In silico analysis, which includes protein predictors and evolutionary conservation, supports that this variant does not alter protein structure/function; Has not been previously published as pathogenic or benign to our knowledge

NM_014244.5(ADAMTS2):c.142G>C (p.Gly48Arg)

Gene: ADAMTS2 (ADAM metallopeptidase with thrombospondin type 1 motif 2; minus strand). Cytogenetic location: 5q35.3.
Variant type: single nucleotide variant.
Coding change: c.142G>C on transcript NM_014244.5 (MANE Select); coding-DNA position 142, G replaced by C.
Protein change: p.Gly48Arg; replaces glycine 48 with arginine.
Molecular consequence: missense variant.
Genome position (GRCh38, 1-based): chr5:179,344,159, C>G on the plus strand (G>C on the coding strand, the complement: ADAMTS2 is on the minus strand). VCF-style: chr5-179344159-C-G. GRCh37 (hg19) VCF-style: chr5-178771160-C-G.
Other names: c.142G>C, p.Gly48Arg (NM_021599.4); short protein forms G48R.
Identifiers: ClinVar variation 546406 (VCV000546406.7), dbSNP rs769371687, ClinGen allele CA3596376.
Genomic context (GRCh38, chr5:179,344,159, plus strand): 5'-CCTGGGCGTCAGTGCGCACGGGCACCGCCAGGATGCGCTCCGCTCCGTGCCCCAGGGGCC[C>G]GCCTGCAACGGGAAGGGGCGTTAGATCGGCGGAGACCACGGAGCCCCAGTGCCTCAGAGA-3'
Protein context (NP_055059.2, residues 38-58): RLAAAADPPG[Gly48Arg]PLGHGAERIL